The following is an entry in ClinVar:

ClinVar aggregate classification (germline): Uncertain significance (1 of 4 stars; one submission).

Submission:

Labcorp Genetics (formerly Invitae), Labcorp
Classification: Uncertain significance. Last evaluated: 2023-07-19. Review status: criteria provided, single submitter. Criteria: Invitae Variant Classification Sherloc (09022015). Collection method: clinical testing. Allele origin: germline.
Comment: This sequence change replaces arginine, which is basic and polar, with lysine, which is basic and polar, at codon 2746 of the VCAN protein (p.Arg2746Lys). This variant is not present in population databases (gnomAD no frequency). In summary, the available evidence is currently insufficient to determine the role of this variant in disease. Therefore, it has been classified as a Variant of Uncertain Significance. Algorithms developed to predict the effect of missense changes on protein structure and function output the following: SIFT: "Not Available"; PolyPhen-2: "Benign"; Align-GVGD: "Not Available". The lysine amino acid residue is found in multiple mammalian species, which suggests that this missense change does not adversely affect protein function. ClinVar contains an entry for this variant (Variation ID: 1993351). This variant has not been reported in the literature in individuals affected with VCAN-related conditions.

NM_004385.5(VCAN):c.8237G>A (p.Arg2746Lys)

Genes: VCAN (versican; plus strand), VCAN-AS1 (VCAN antisense RNA 1; minus strand). Cytogenetic location: 5q14.3.
Variant type: single nucleotide variant.
Coding change: c.8237G>A on transcript NM_004385.5 (MANE Select); coding-DNA position 8237, G replaced by A.
Protein change: p.Arg2746Lys; replaces arginine 2746 with lysine.
Molecular consequence: missense variant. On other transcripts: intron variant (2).
Genome position (GRCh38, 1-based): chr5:83,541,240, G>A. VCF-style: chr5-83541240-G-A. GRCh37 (hg19) VCF-style: chr5-82837059-G-A.
Other names: c.5276G>A, p.Arg1759Lys (NM_001164097.2); c.4004-4297G>A (NM_001164098.2); c.1043-4297G>A (NM_001126336.3); short protein forms R2746K, R1759K.
Identifiers: ClinVar variation 1993351 (VCV001993351.4), dbSNP rs2479122624, ClinGen allele CA360316476.